The following is an entry in ClinVar:

NM_003072.5(SMARCA4):c.4636-3C>G

Gene: SMARCA4 (SWI/SNF related BAF chromatin remodeling complex subunit ATPase 4; plus strand). Cytogenetic location: 19p13.2.
Variant type: single nucleotide variant.
Coding change: c.4636-3C>G on transcript NM_003072.5 (MANE Select); 3 bases into the intron before coding-DNA position 4636, C replaced by G.
Molecular consequence: intron variant.
Genome position (GRCh38, 1-based): chr19:11,059,750, C>G. VCF-style: chr19-11059750-C-G. GRCh37 (hg19) VCF-style: chr19-11170426-C-G.
Other names: c.4636-3C>G (NM_001128844.3); c.4732-3C>G (NM_001128849.3, NM_001387283.1); c.4537-3C>G (NM_001128847.4, NM_001374457.1); c.4546-3C>G (NM_001128845.2); c.4543-3C>G (NM_001128846.2); c.4534-3C>G (NM_001128848.2).
Identifiers: ClinVar variation 1742723 (VCV001742723.2), dbSNP rs1555795859, ClinGen allele CA2580096334.
Genomic context (GRCh38, chr19:11,059,750, plus strand): 5'-AGGGCCGGGCAGGCAGCCCTCCAGTCGGGCCCATCCACTCAAGCCCCTGGTGTCTCTGCC[C>G]AGATCTATGAAGACTCCATCGTCTTGCAGTCGGTCTTCACCAGCGTGCGGCAGAAAATCG-3'

ClinVar aggregate classification (germline): Uncertain significance (1 of 4 stars; one submission).

Conditions:
Hereditary cancer-predisposing syndrome. Also called: Hereditary Cancer Syndrome; Hereditary neoplastic syndrome; Neoplastic Syndromes, Hereditary; Tumor predisposition. Identifiers: Orphanet 140162, MedGen C0027672, MeSH D009386, MONDO:0015356.

Submission:

Ambry Genetics
Classification: Uncertain significance for Hereditary cancer-predisposing syndrome. Last evaluated: 2022-02-24. Review status: criteria provided, single submitter. Criteria: Ambry Variant Classification Scheme 2023. Collection method: clinical testing. Allele origin: germline.
Comment: The c.4732-3C>G intronic variant results from a C to G substitution 3 nucleotides upstream from coding exon 33 in the SMARCA4 gene. This nucleotide position is well conserved in available vertebrate species. In silico splice site analysis predicts that this alteration may weaken the native splice acceptor site and may result in the creation or strengthening of a novel splice acceptor site. Since supporting evidence is limited at this time, the clinical significance of this alteration remains unclear.